The following is an entry in ClinVar:

ClinVar aggregate classification (germline): Conflicting classifications of pathogenicity. Review status: criteria provided, conflicting classifications (1 of 4 stars). 6 submissions from 5 submitters: Uncertain significance (2); Likely benign (3). 1 of the submissions does not count toward it. Last evaluated 2026-04-01.

Conditions:
ANK1-related disorder. Also called: ANK1-related condition.
Spherocytosis. Identifiers: MedGen C0553720, HP:0004444.
Hereditary spherocytosis type 1. Also called: Spherocytosis type 1; ANK1-Related Spherocytosis. Identifiers: Orphanet 822, MedGen C2674218, MONDO:0008447, OMIM 182900.

Allele frequency attached by ClinVar (database versions not stated): 1000 Genomes Project 30x 0.00016; ESP Exome Variant Server 0.00085; TOPMed 0.00097.
gnomAD v4.1: 2,765 of 1,613,952 alleles (0.17%); highest among the groups gnomAD compares: Non-Finnish European, 0.22%; 3 homozygotes.

Submissions (6):

CeGaT Center for Human Genetics Tuebingen
Classification: Likely benign. Last evaluated: 2026-04-01. Review status: criteria provided, single submitter. Criteria: CeGaT Center For Human Genetics Tuebingen Variant Classification Criteria Version 2. Collection method: clinical testing. Allele origin: germline. Affected: yes. Observed: 3 variant alleles.
Comment: ANK1: BP4

Labcorp Genetics (formerly Invitae), Labcorp
Classification: Uncertain significance. Last evaluated: 2025-08-18. Review status: criteria provided, single submitter. Criteria: Invitae Variant Classification Sherloc (09022015). Collection method: clinical testing. Allele origin: germline.
Comment: This sequence change replaces valine, which is neutral and non-polar, with methionine, which is neutral and non-polar, at codon 1277 of the ANK1 protein (p.Val1277Met). This variant is present in population databases (rs148942046, gnomAD 0.1%), and has an allele count higher than expected for a pathogenic variant. This variant has not been reported in the literature in individuals affected with ANK1-related conditions. ClinVar contains an entry for this variant (Variation ID: 910772). Invitae Evidence Modeling of protein sequence and biophysical properties (such as structural, functional, and spatial information, amino acid conservation, physicochemical variation, residue mobility, and thermodynamic stability) indicates that this missense variant is not expected to disrupt ANK1 protein function with a negative predictive value of 80%. In summary, the available evidence is currently insufficient to determine the role of this variant in disease. Therefore, it has been classified as a Variant of Uncertain Significance.

ARUP Laboratories, Molecular Genetics and Genomics, ARUP Laboratories
Classification: Likely benign for Hereditary spherocytosis type 1. Last evaluated: 2023-12-13. Review status: criteria provided, single submitter. Criteria: ARUP Molecular Germline Variant Investigation Process 2024. Collection method: clinical testing. Allele origin: germline.

Illumina Laboratory Services, Illumina
Classification: Uncertain significance for Spherocytosis. Last evaluated: 2018-01-13. Review status: criteria provided, single submitter. Criteria: ICSL Variant Classification Criteria 13 December 2019. Collection method: clinical testing. Allele origin: germline.

Illumina Laboratory Services, Illumina
Classification: Likely benign for Hereditary spherocytosis type 1. Last evaluated: 2018-01-13. Review status: criteria provided, single submitter. Criteria: ICSL Variant Classification Criteria 13 December 2019. Collection method: clinical testing. Allele origin: germline.
Comment: This variant was observed in the ICSL laboratory as part of a predisposition screen in an ostensibly healthy population. It had not been previously curated by ICSL or reported in the Human Gene Mutation Database (HGMD: prior to June 1st, 2018), and was therefore a candidate for classification through an automated scoring system. Utilizing variant allele frequency, disease prevalence and penetrance estimates, and inheritance mode, an automated score was calculated to assess if this variant is too frequent to cause the disease. Based on the score and internal cut-off values, a variant classified as likely benign is not then subjected to further curation. The score for this variant resulted in a classification of likely benign for this disease.

PreventionGenetics, part of Exact Sciences
Classification: Likely benign for ANK1-related condition. Last evaluated: 2022-09-29. Review status: no assertion criteria provided. Collection method: clinical testing. Allele origin: germline. Not counted in ClinVar's aggregate classification.
Comment: This variant is classified as likely benign based on ACMG/AMP sequence variant interpretation guidelines (Richards et al. 2015 PMID: 25741868, with internal and published modifications).

NM_000037.4(ANK1):c.3829G>A (p.Val1277Met)

Gene: ANK1 (ankyrin 1; minus strand). Cytogenetic location: 8p11.21.
Variant type: single nucleotide variant.
Coding change: c.3829G>A on transcript NM_000037.4 (MANE Select); coding-DNA position 3829, G replaced by A.
Protein change: p.Val1277Met; replaces valine 1277 with methionine.
Molecular consequence: missense variant.
Genome position (GRCh38, 1-based): chr8:41,692,677, C>T on the plus strand (G>A on the coding strand, the complement: ANK1 is on the minus strand). VCF-style: chr8-41692677-C-T. GRCh37 (hg19) VCF-style: chr8-41550195-C-T.
Other names: c.3952G>A, p.Val1318Met (NM_001142446.2); c.3829G>A, p.Val1277Met (NM_020475.3, NM_020476.3, NM_020477.3); c.3829G>A (NM_020476.2); short protein forms V1318M, V1277M.
Identifiers: ClinVar variation 910772 (VCV000910772.44), dbSNP rs148942046, ClinGen allele CA4727773.